The following is an entry in ClinVar:

NM_021620.4(PRDM13):c.1432G>A (p.Ala478Thr)

Gene: PRDM13 (PR/SET domain 13; plus strand). Cytogenetic location: 6q16.2.
Variant type: single nucleotide variant.
Coding change: c.1432G>A on transcript NM_021620.4 (MANE Select); coding-DNA position 1432, G replaced by A.
Protein change: p.Ala478Thr; replaces alanine 478 with threonine.
Molecular consequence: missense variant.
Genome position (GRCh38, 1-based): chr6:99,614,067, G>A. VCF-style: chr6-99614067-G-A. GRCh37 (hg19) VCF-style: chr6-100061943-G-A.
Other names: short protein forms A478T.
Identifiers: ClinVar variation 1064353 (VCV001064353.9), dbSNP rs948559795, ClinGen allele CA143975852.

ClinVar aggregate classification (germline): Uncertain significance (1 of 4 stars; one submission).

Allele frequency attached by ClinVar (database versions not stated): gnomAD 0.00001; TOPMed 0.00002.

Submission:

Labcorp Genetics (formerly Invitae), Labcorp
Classification: Uncertain significance. Last evaluated: 2022-04-25. Review status: criteria provided, single submitter. Criteria: Invitae Variant Classification Sherloc (09022015). Collection method: clinical testing. Allele origin: germline.
Comment: Algorithms developed to predict the effect of missense changes on protein structure and function output the following: SIFT: "Tolerated"; PolyPhen-2: "Benign"; Align-GVGD: "Class C0". The threonine amino acid residue is found in multiple mammalian species, which suggests that this missense change does not adversely affect protein function. In summary, the available evidence is currently insufficient to determine the role of this variant in disease. Therefore, it has been classified as a Variant of Uncertain Significance. ClinVar contains an entry for this variant (Variation ID: 1064353). This sequence change replaces alanine, which is neutral and non-polar, with threonine, which is neutral and polar, at codon 478 of the PRDM13 protein (p.Ala478Thr). This variant is present in population databases (no rsID available, gnomAD 0.01%). This variant has not been reported in the literature in individuals affected with PRDM13-related conditions.